The following is an entry in ClinVar:

NM_001042492.3(NF1):c.7023C>T (p.Asn2341=)

Gene: NF1 (neurofibromin 1; plus strand). Cytogenetic location: 17q11.2.
Variant type: single nucleotide variant.
Coding change: c.7023C>T on transcript NM_001042492.3 (MANE Select); coding-DNA position 7023, C replaced by T.
Protein change: p.Asn2341=; no amino-acid change (asparagine 2341 retained).
Molecular consequence: synonymous variant.
Genome position (GRCh38, 1-based): chr17:31,340,606, C>T. VCF-style: chr17-31340606-C-T. GRCh37 (hg19) VCF-style: chr17-29667624-C-T.
Other names: c.6960C>T, p.Asn2320= (NM_000267.4).
Identifiers: ClinVar variation 480077 (VCV000480077.15), dbSNP rs1208205873, ClinGen allele CA499235382.

ClinVar aggregate classification (germline): Benign/Likely benign. Review status: criteria provided, multiple submitters, no conflicts (2 of 4 stars). 5 submissions from 5 submitters: Benign (1); Likely benign (4). Last evaluated 2026-05-21.

Conditions:
Hereditary cancer-predisposing syndrome. Also called: Hereditary neoplastic syndrome; Neoplastic Syndromes, Hereditary; Hereditary Cancer Syndrome; Tumor predisposition. Identifiers: Orphanet 140162, MedGen C0027672, MeSH D009386, MONDO:0015356.
Neurofibromatosis, type 1 (NF1). Also called: Peripheral type neurofibromatosis; Neurofibromatosis, type I; VON RECKLINGHAUSEN DISEASE; NEUROFIBROMATOSIS, TYPE I, SOMATIC. Identifiers: Orphanet 636, MedGen C0027831, MONDO:0018975, OMIM 162200. Disease mechanism: loss of function.

Allele frequency attached by ClinVar (database versions not stated): TOPMed below 0.00001; gnomAD 0.00001; gnomAD exomes below 0.00001.
gnomAD v4.1: 20 of 1,614,006 alleles (0.0012%); highest among the groups gnomAD compares: Non-Finnish European, 0.0015%; no homozygotes.

Submissions (5):

Myriad Genetics, Inc.
Classification: Benign for Neurofibromatosis, type 1. Last evaluated: 2026-05-21. Review status: criteria provided, single submitter. Criteria: Myriad Autosomal Dominant, Autosomal Recessive and X-Linked Classification Criteria (2023). Collection method: clinical testing. Allele origin: unknown.
Comment: This variant is considered benign. This variant is a silent/synonymous amino acid change and it is not expected to impact splicing.

Labcorp Genetics (formerly Invitae), Labcorp
Classification: Likely benign for Neurofibromatosis, type 1. Last evaluated: 2025-12-01. Review status: criteria provided, single submitter. Criteria: Invitae Variant Classification Sherloc (09022015). Collection method: clinical testing. Allele origin: germline.

Genome-Nilou Lab
Classification: Likely benign for Neurofibromatosis, type 1. Last evaluated: 2022-03-15. Review status: criteria provided, single submitter. Criteria: ACMG Guidelines, 2015. Collection method: clinical testing. Allele origin: germline. Affected: no.

Sema4
Classification: Likely benign for Hereditary cancer-predisposing syndrome. Last evaluated: 2021-06-16. Review status: criteria provided, single submitter. Criteria: Sema4 Curation Guidelines. Collection method: curation. Allele origin: germline.

Ambry Genetics
Classification: Likely benign for Hereditary cancer-predisposing syndrome. Last evaluated: 2015-11-07. Review status: criteria provided, single submitter. Criteria: Ambry Autosomal Dominant and X-Linked criteria (10/2015). Collection method: clinical testing. Allele origin: germline. Observed: 1 variant allele.